The following is an entry in ClinVar:

NM_020778.5(ALPK3):c.2834G>A (p.Arg945Gln)

Gene: ALPK3 (alpha kinase 3; plus strand). Cytogenetic location: 15q25.3.
Variant type: single nucleotide variant.
Coding change: c.2834G>A on transcript NM_020778.5 (MANE Select); coding-DNA position 2834, G replaced by A.
Protein change: p.Arg945Gln; replaces arginine 945 with glutamine.
Molecular consequence: missense variant.
Genome position (GRCh38, 1-based): chr15:84,857,572, G>A. VCF-style: chr15-84857572-G-A. GRCh37 (hg19) VCF-style: chr15-85400803-G-A.
Other names: short protein forms R945Q.
Identifiers: ClinVar variation 1471254 (VCV001471254.13), dbSNP rs377166800, ClinGen allele CA7709505.
Genomic context (GRCh38, chr15:84,857,572, plus strand): 5'-CAGAAACCATGGCCACCAGCAGTGAGGGGGCCTGCGCCCAGGTACCAGATGTGGAGGGGC[G>A]GACCCCAGGTCCCCGGAGCTGTGACCCTGGCCTCATAGATTCCCTGAAGAACTACCTGCT-3'
Protein context (NP_065829.4, residues 935-955): ACAQVPDVEG[Arg945Gln]TPGPRSCDPG

ClinVar aggregate classification (germline): Conflicting classifications of pathogenicity. Review status: criteria provided, conflicting classifications (1 of 4 stars). 4 submissions from 4 submitters: Uncertain significance (3); Likely benign (1). Last evaluated 2026-08-06.

Conditions:
ALPK3-related disorder. Also called: ALPK3-related condition.
Cardiovascular phenotype. Identifiers: MedGen CN230736.

Allele frequency attached by ClinVar (database versions not stated): ESP Exome Variant Server 0.00015.
gnomAD v4.1: 25 of 1,575,056 alleles (0.0016%); highest among the groups gnomAD compares: African/African-American, 0.019%; no homozygotes.

Submissions (4):

PreventionGenetics, part of Exact Sciences
Classification: Uncertain significance for ALPK3-related condition. Last evaluated: 2026-08-06. Review status: criteria provided, single submitter. Criteria: ACMG Guidelines, 2015. Collection method: clinical testing. Allele origin: germline.
Comment: The ALPK3 c.3440G>A variant is predicted to result in the amino acid substitution p.Arg1147Gln. To our knowledge, this variant has not been reported in the literature. This variant is reported in 0.0051% of alleles in individuals of East Asian descent in gnomAD. At this time, the clinical significance of this variant is uncertain due to the absence of conclusive functional and genetic evidence.

Labcorp Genetics (formerly Invitae), Labcorp
Classification: Uncertain significance. Last evaluated: 2025-12-20. Review status: criteria provided, single submitter. Criteria: Invitae Variant Classification Sherloc (09022015). Collection method: clinical testing. Allele origin: germline.
Comment: This sequence change replaces arginine, which is basic and polar, with glutamine, which is neutral and polar, at codon 1147 of the ALPK3 protein (p.Arg1147Gln). This variant is present in population databases (rs377166800, gnomAD 0.005%). This variant has not been reported in the literature in individuals affected with ALPK3-related conditions. ClinVar contains an entry for this variant (Variation ID: 1471254). Invitae Evidence Modeling of protein sequence and biophysical properties (such as structural, functional, and spatial information, amino acid conservation, physicochemical variation, residue mobility, and thermodynamic stability) indicates that this missense variant is not expected to disrupt ALPK3 protein function with a negative predictive value of 80%. In summary, the available evidence is currently insufficient to determine the role of this variant in disease. Therefore, it has been classified as a Variant of Uncertain Significance.

Women's Health and Genetics/Laboratory Corporation of America, LabCorp
Classification: Uncertain significance. Last evaluated: 2025-06-07. Review status: criteria provided, single submitter. Criteria: LabCorp Variant Classification Summary - May 2015. Collection method: clinical testing. Allele origin: germline.

Ambry Genetics
Classification: Likely benign for Cardiovascular phenotype. Last evaluated: 2024-11-15. Review status: criteria provided, single submitter. Criteria: Ambry Variant Classification Scheme 2023. Collection method: clinical testing. Allele origin: germline.